The following is an entry in ClinVar:

ClinVar aggregate classification (germline): Uncertain significance (1 of 4 stars; one submission).

Conditions:
Cardiovascular phenotype. Identifiers: MedGen CN230736.

gnomAD v4.1: 1 of 1,614,228 alleles (0.000062%); highest among the groups gnomAD compares: Non-Finnish European, 0.000085%; no homozygotes.

Submission:

Ambry Genetics
Classification: Uncertain significance for Cardiovascular phenotype. Last evaluated: 2024-06-09. Review status: criteria provided, single submitter. Criteria: Ambry Variant Classification Scheme 2023. Collection method: clinical testing. Allele origin: germline.
Comment: The p.S849Y variant (also known as c.2546C>A), located in coding exon 16 of the CBL gene, results from a C to A substitution at nucleotide position 2546. The serine at codon 849 is replaced by tyrosine, an amino acid with dissimilar properties. This amino acid position is conserved. In addition, this alteration is predicted to be tolerated by in silico analysis. Based on the available evidence, the clinical significance of this variant remains unclear.

NM_005188.4(CBL):c.2546C>A (p.Ser849Tyr)

Gene: CBL (Cbl proto-oncogene; plus strand). Cytogenetic location: 11q23.3.
Variant type: single nucleotide variant.
Coding change: c.2546C>A on transcript NM_005188.4 (MANE Select); coding-DNA position 2546, C replaced by A.
Protein change: p.Ser849Tyr; replaces serine 849 with tyrosine.
Molecular consequence: missense variant.
Genome position (GRCh38, 1-based): chr11:119,299,606, C>A. VCF-style: chr11-119299606-C-A. GRCh37 (hg19) VCF-style: chr11-119170316-C-A.
Other names: short protein forms S849Y.
Identifiers: ClinVar variation 3263617 (VCV003263617.1).